The following is an entry in ClinVar:

NM_001849.4(COL6A2):c.955-13_955-12delinsGAGAAAA

Gene: COL6A2 (collagen type VI alpha 2 chain; plus strand). Cytogenetic location: 21q22.3.
Variant type: Indel.
Coding change: c.955-13_955-12delinsGAGAAAA on transcript NM_001849.4 (MANE Select); 13 bases into the intron before coding-DNA position 955 through 12 bases into the intron before coding-DNA position 955, CT replaced by GAGAAAA.
Molecular consequence: intron variant.
Genome position (GRCh38, 1-based): chr21:46,116,757-46,116,758, CT replaced by GAGAAAA. VCF-style: chr21-46116757-CT-GAGAAAA. GRCh37 (hg19) VCF-style: chr21-47536671-CT-GAGAAAA.
Other names: c.955-13_955-12delinsGAGAAAA (NM_058175.3, NM_058174.3).
Identifiers: ClinVar variation 3366633 (VCV003366633.1).

ClinVar aggregate classification (germline): Uncertain significance (1 of 4 stars; one submission).

Submission:

Women's Health and Genetics/Laboratory Corporation of America, LabCorp
Classification: Uncertain significance. Last evaluated: 2024-08-23. Review status: criteria provided, single submitter. Criteria: LabCorp Variant Classification Summary - May 2015. Collection method: clinical testing. Allele origin: germline.
Comment: Variant summary: COL6A2 c.955-13_955-12delinsGAGAAAA alters a non-conserved nucleotide located at a position not widely known to affect splicing. Several computational tools predict a significant impact on normal splicing: Four predict the variant weakens a 3' acceptor site, while one predicts the variant creates a 3' cryptic acceptor site. However, these predictions have yet to be confirmed by functional studies. The variant was absent in 250296 control chromosomes. The available data on variant occurrences in the general population are insufficient to allow any conclusion about variant significance. To our knowledge, no occurrence of c.955-13_955-12delinsGAGAAAA in individuals affected with Collagen Type VI-Related Disorders and no experimental evidence demonstrating its impact on protein function have been reported. No submitters have cited clinical-significance assessments for this variant to ClinVar. Based on the evidence outlined above, the variant was classified as uncertain significance.